The following is an entry in ClinVar:

NM_198503.5(KCNT2):c.2283T>G (p.Asp761Glu)

Gene: KCNT2 (potassium sodium-activated channel subfamily T member 2; minus strand). Cytogenetic location: 1q31.3.
Variant type: single nucleotide variant.
Coding change: c.2283T>G on transcript NM_198503.5 (MANE Select); coding-DNA position 2283, T replaced by G.
Protein change: p.Asp761Glu; replaces aspartic acid 761 with glutamic acid.
Molecular consequence: missense variant. On other transcripts: non-coding transcript variant (1), intron variant (2).
Genome position (GRCh38, 1-based): chr1:196,319,549, A>C on the plus strand (T>G on the coding strand, the complement: KCNT2 is on the minus strand). VCF-style: chr1-196319549-A-C. GRCh37 (hg19) VCF-style: chr1-196288679-A-C.
Other names: c.2127-3523T>G (NM_001287820.3); c.2277-3523T>G (NM_001287819.3); short protein forms D761E.
Identifiers: ClinVar variation 2575843 (VCV002575843.1), dbSNP rs927345179, ClinGen allele CA35828920.
Genomic context (GRCh38, chr1:196,319,549, plus strand): 5'-AATAGAGCCCACCATGTAGTAAACCATTGGAAACCAACAGATTGCATCCAGAAAATGCAT[A>C]TCTGGCCTAAGTAGTAGATGGGTTACAAAATGAAACACAATGTCACAACAGTGGCAGCAC-3'
Protein context (NP_940905.2, residues 751-771): PIVLLLDNPP[Asp761Glu]MHFLDAICWF

ClinVar aggregate classification (germline): Uncertain significance (1 of 4 stars; one submission).

Allele frequency attached by ClinVar (database versions not stated): gnomAD exomes below 0.00001.
gnomAD v4.1: 1 of 1,606,666 alleles (0.000062%); highest among the groups gnomAD compares: Non-Finnish European, 0.000085%; no homozygotes.

Submission:

GeneDx
Classification: Uncertain significance. Last evaluated: 2023-02-09. Review status: criteria provided, single submitter. Criteria: GeneDx Variant Classification Process June 2021. Collection method: clinical testing. Allele origin: germline. Affected: yes.
Comment: Not observed at significant frequency in large population cohorts (gnomAD); In silico analysis supports that this missense variant does not alter protein structure/function; Has not been previously published as pathogenic or benign to our knowledge